The following is an entry in ClinVar:

NM_201384.3(PLEC):c.11137G>C (p.Gly3713Arg)

Gene: PLEC (plectin; minus strand). Cytogenetic location: 8q24.3.
Variant type: single nucleotide variant.
Coding change: c.11137G>C on transcript NM_201384.3 (MANE Select); coding-DNA position 11137, G replaced by C.
Protein change: p.Gly3713Arg; replaces glycine 3713 with arginine.
Molecular consequence: missense variant.
Genome position (GRCh38, 1-based): chr8:143,918,684, C>G on the plus strand (G>C on the coding strand, the complement: PLEC is on the minus strand). VCF-style: chr8-143918684-C-G. GRCh37 (hg19) VCF-style: chr8-144992852-C-G.
Other names: c.11218G>C, p.Gly3740Arg (NM_000445.5); c.7837G>C, p.Gly2613Arg (NM_001410941.1); c.11095G>C, p.Gly3699Arg (NM_201378.4); c.11071G>C, p.Gly3691Arg (NM_201379.3); c.11548G>C, p.Gly3850Arg (NM_201380.4); c.11041G>C, p.Gly3681Arg (NM_201381.3); c.11137G>C, p.Gly3713Arg (NM_201382.4); c.11149G>C, p.Gly3717Arg (NM_201383.3); short protein forms G2613R, G3681R, G3691R, G3699R, G3713R, G3717R, G3740R, G3850R.
Identifiers: ClinVar variation 3755399 (VCV003755399.2).
Genomic context (GRCh38, chr8:143,918,684, plus strand): 5'-GGAAGCCTGTGGCTGCCTGTGCCTCCAGCAGCAGGCGGGCCACCTCGGCACTCAGCAGCC[C>G]TTTCTTGAGAGCCTGGTAGATGCTCAGTGTCTGCCTGGAACCGGGCAGGTAGACACCAGC-3'
Protein context (NP_958786.1, residues 3703-3723): TLSIYQALKK[Gly3713Arg]LLSAEVARLL

ClinVar aggregate classification (germline): Uncertain significance (1 of 4 stars; one submission).

Conditions:
Epidermolysis bullosa simplex with nail dystrophy (EBS5D). Identifiers: MedGen C4225309, MONDO:0014661, OMIM 616487.
Epidermolysis bullosa simplex, Ogna type (EBS5A). Also called: Pidermolysis bullosa simplex 5A, Ogna type; EPIDERMOLYSIS BULLOSA SIMPLEX 5A, OGNA TYPE. Identifiers: Orphanet 79401, MedGen C0432317, MONDO:0007555, OMIM 131950.
Autosomal recessive limb-girdle muscular dystrophy type 2Q (LGMDR17). Also called: MUSCULAR DYSTROPHY, LIMB-GIRDLE, AUTOSOMAL RECESSIVE 17. Identifiers: Orphanet 254361, MedGen C3150989, MONDO:0013390, OMIM 613723.
Epidermolysis bullosa simplex 5B, with muscular dystrophy (EBS5B). Also called: EPIDERMOLYSIS BULLOSA SIMPLEX AND LIMB-GIRDLE MUSCULAR DYSTROPHY; Epidermolysis bullosa simplex with muscular dystrophy. Identifiers: Orphanet 257, MedGen C2931072, MONDO:0009181, OMIM 226670.
Epidermolysis bullosa simplex 5C, with pyloric atresia (EBS5C). Also called: PLEC-Related Epidermolysis Bullosa with Pyloric Atresia; Epidermolysis bullosa simplex with pyloric atresia; PLEC1-Related Epidermolysis Bullosa with Pyloric Atresia. Identifiers: Orphanet 158684, MedGen C2677349, MONDO:0012807, OMIM 612138.

Submission:

Labcorp Genetics (formerly Invitae), Labcorp
Classification: Uncertain significance for Autosomal recessive limb-girdle muscular dystrophy type 2Q; Epidermolysis bullosa simplex, Ogna type; Epidermolysis bullosa simplex with nail dystrophy; Epidermolysis bullosa simplex 5C, with pyloric atresia; Epidermolysis bullosa simplex 5B, with muscular dystrophy. Last evaluated: 2024-03-26. Review status: criteria provided, single submitter. Criteria: Invitae Variant Classification Sherloc (09022015). Collection method: clinical testing. Allele origin: germline.
Comment: This sequence change replaces glycine, which is neutral and non-polar, with arginine, which is basic and polar, at codon 3740 of the PLEC protein (p.Gly3740Arg). This variant is not present in population databases (gnomAD no frequency). This variant has not been reported in the literature in individuals affected with PLEC-related conditions. An algorithm developed to predict the effect of missense changes on protein structure and function (PolyPhen-2) suggests that this variant is likely to be disruptive. In summary, the available evidence is currently insufficient to determine the role of this variant in disease. Therefore, it has been classified as a Variant of Uncertain Significance.